The following is an entry in ClinVar:

ClinVar aggregate classification (germline): Likely benign. Review status: criteria provided, multiple submitters, no conflicts (2 of 4 stars). 2 submissions from 2 submitters: Likely benign (2). Last evaluated 2026-09-01.

gnomAD v4.1: 42 of 1,610,816 alleles (0.0026%); highest among the groups gnomAD compares: Middle Eastern, 0.016%; no homozygotes.

Submissions (2):

CeGaT Center for Human Genetics Tuebingen
Classification: Likely benign. Last evaluated: 2026-09-01. Review status: criteria provided, single submitter. Criteria: CeGaT Center For Human Genetics Tuebingen Variant Classification Criteria Version 2. Collection method: clinical testing. Allele origin: germline. Affected: yes. Observed: 3 variant alleles.
Comment: CENPE: BP4, BP7

Blueprint Genetics
Classification: Likely benign. Last evaluated: 2020-10-18. Review status: criteria provided, single submitter. Criteria: ACMG Guidelines, 2015. Collection method: clinical testing. Allele origin: germline.

NM_001813.3(CENPE):c.1224G>A (p.Thr408=)

Gene: CENPE (centromere protein E; minus strand). Cytogenetic location: 4q24.
Variant type: single nucleotide variant.
Coding change: c.1224G>A on transcript NM_001813.3 (MANE Select); coding-DNA position 1224, G replaced by A.
Protein change: p.Thr408=; no amino-acid change (threonine 408 retained).
Molecular consequence: synonymous variant.
Genome position (GRCh38, 1-based): chr4:103,180,329, C>T on the plus strand (G>A on the coding strand, the complement: CENPE is on the minus strand). VCF-style: chr4-103180329-C-T. GRCh37 (hg19) VCF-style: chr4-104101486-C-T.
Other names: c.1224G>A, p.Thr408= (NM_001286734.2).
Identifiers: ClinVar variation 3898301 (VCV003898301.8).